The following is an entry in ClinVar:

NM_000202.8(IDS):c.1466G>C (p.Gly489Ala)

Gene: IDS (iduronate 2-sulfatase; minus strand). Cytogenetic location: Xq28.
Variant type: single nucleotide variant.
Coding change: c.1466G>C on transcript NM_000202.8 (MANE Select); coding-DNA position 1466, G replaced by C.
Protein change: p.Gly489Ala; replaces glycine 489 with alanine.
Molecular consequence: missense variant.
Genome position (GRCh38, 1-based): chrX:149,482,933, C>G on the plus strand (G>C on the coding strand, the complement: IDS is on the minus strand). VCF-style: chrX-149482933-C-G. GRCh37 (hg19) VCF-style: chrX-148564464-C-G.
Other names: c.1196G>C, p.Gly399Ala (NM_001166550.4); short protein forms G489A, G399A.
Identifiers: ClinVar variation 242796 (VCV000242796.6), dbSNP rs104894863, ClinGen allele CA356488.

ClinVar aggregate classification (germline): Conflicting classifications of pathogenicity. Review status: criteria provided, conflicting classifications (1 of 4 stars). 2 submissions from 2 submitters: Pathogenic (1); Uncertain significance (1). Last evaluated 2024-06-07.

Conditions:
Mucopolysaccharidosis, MPS-II (MPS2). Also called: IDS deficiency; Sulfoiduronate sulfatase deficiency; SIDS deficiency; Mucopolysaccharidosis with skin involvement; Mucopolysaccharidosis type 2; Attenuated MPS (subtype; formerly known as mild MPS II). Identifiers: Orphanet 580, Orphanet 79388, MedGen C0026705, MONDO:0010674, OMIM 309900.

Submissions (2):

Laboratory of Diagnosis and Therapy of Lysosomal Disorders, University of Padova
Classification: Pathogenic for Mucopolysaccharidosis, MPS-II. Last evaluated: 2024-06-07. Review status: criteria provided, single submitter. Criteria: ACMG Guidelines, 2015. Collection method: literature only. Allele origin: germline. Affected: yes. Observed: 1 variant allele.
Comment: In vitro or in vivo functional studies supportive of a damaging effect (PS3_Strong), Absent from controls (or at low frequency) in gnomAD database (PM2_Moderate), Missense variant in a gene with a low rate of benign missense variation (PP2_Supporting), Multiple lines of computational evidence support a deleterious effect (PP3_Supporting), Patient’s phenotype or family history highly specific for the disease (PP4_Strong)

Classification method: ACMG Guidelines [PMID:25741868] with modifications

Labcorp Genetics (formerly Invitae), Labcorp
Classification: Uncertain significance for Mucopolysaccharidosis, MPS-II. Last evaluated: 2024-02-22. Review status: criteria provided, single submitter. Criteria: Invitae Variant Classification Sherloc (09022015). Collection method: clinical testing. Allele origin: germline.
Comment: This sequence change replaces glycine, which is neutral and non-polar, with alanine, which is neutral and non-polar, at codon 489 of the IDS protein (p.Gly489Ala). This variant is not present in population databases (gnomAD no frequency). This missense change has been observed in individual(s) with Hunter syndrome (PMID: 12794697). Advanced modeling of protein sequence and biophysical properties (such as structural, functional, and spatial information, amino acid conservation, physicochemical variation, residue mobility, and thermodynamic stability) has been performed at Invitae for this missense variant, however the output from this modeling did not meet the statistical confidence thresholds required to predict the impact of this variant on IDS protein function. Experimental studies have shown that this missense change affects IDS function (PMID: 12794697). In summary, the available evidence is currently insufficient to determine the role of this variant in disease. Therefore, it has been classified as a Variant of Uncertain Significance.

Literature cited by the submitters: PubMed 12794697 (cited by Laboratory of Diagnosis and Therapy of Lysosomal Disorders, University of Padova and Labcorp Genetics (formerly Invitae), Labcorp).